The following is an entry in ClinVar:

ClinVar aggregate classification (germline): Pathogenic. Review status: criteria provided, multiple submitters, no conflicts (2 of 4 stars). 2 submissions from 2 submitters: Pathogenic (2). Last evaluated 2025-03-05.

Conditions:
Acyl-CoA oxidase deficiency. Also called: STRAIGHT-CHAIN ACYL-CoA OXIDASE DEFICIENCY; Pseudoneonatal adrenoleukodystrophy; Peroxisomal acyl-CoA oxidase deficiency. Identifiers: Orphanet 2971, MedGen C1849678, MONDO:0009919, OMIM 264470. Disease mechanism: loss of function.

gnomAD v4.1: 9 of 1,613,810 alleles (0.00056%); highest among the groups gnomAD compares: South Asian, 0.0011%; no homozygotes.

Submissions (2):

Labcorp Genetics (formerly Invitae), Labcorp
Classification: Pathogenic for Acyl-CoA oxidase deficiency. Last evaluated: 2025-03-05. Review status: criteria provided, single submitter. Criteria: Invitae Variant Classification Sherloc (09022015). Collection method: clinical testing. Allele origin: germline.
Comment: This sequence change creates a premature translational stop signal (p.Arg94*) in the ACOX1 gene. It is expected to result in an absent or disrupted protein product. Loss-of-function variants in ACOX1 are known to be pathogenic (PMID: 8040306, 17458872). This variant is not present in population databases (gnomAD no frequency). This variant has not been reported in the literature in individuals affected with ACOX1-related conditions. ClinVar contains an entry for this variant (Variation ID: 1685498). Algorithms developed to predict the effect of sequence changes on RNA splicing suggest that this variant may disrupt the consensus splice site. For these reasons, this variant has been classified as Pathogenic.

Mendelics
Classification: Pathogenic for Acyl-CoA oxidase deficiency. Last evaluated: 2022-05-04. Review status: criteria provided, single submitter. Criteria: Mendelics Assertion Criteria 2019. Collection method: clinical testing. Allele origin: germline.

Literature cited by the submitters: PubMed 8040306 (cited by Labcorp Genetics (formerly Invitae), Labcorp); PubMed 17458872 (cited by Labcorp Genetics (formerly Invitae), Labcorp).

NM_004035.7(ACOX1):c.280C>T (p.Arg94Ter)

Gene: ACOX1 (acyl-CoA oxidase 1; minus strand). Cytogenetic location: 17q25.1.
Variant type: single nucleotide variant.
Coding change: c.280C>T on transcript NM_004035.7 (MANE Select); coding-DNA position 280, C replaced by T.
Protein change: p.Arg94Ter; replaces arginine 94 with a stop codon.
Molecular consequence: nonsense. On other transcripts: intron variant (1).
Genome position (GRCh38, 1-based): chr17:75,960,365, G>A on the plus strand (C>T on the coding strand, the complement: ACOX1 is on the minus strand). VCF-style: chr17-75960365-G-A. GRCh37 (hg19) VCF-style: chr17-73956446-G-A.
Other names: c.166C>T, p.Arg56Ter (NM_001185039.2); c.431-2799C>T (NM_007292.6); short protein forms R56*, R94*.
Identifiers: ClinVar variation 1685498 (VCV001685498.2), dbSNP rs780675610, ClinGen allele CA401071902.
Genomic context (GRCh38, chr17:75,960,365, plus strand): 5'-GGTGAAGCAAGGTGGGCAGGAACATGCCCAAGTGAAGATCCAGAGGCTCAGGCCGCCCTC[G>A]GTGCACAAAACTTCGAGGAAATATCAAGGATGGGCATTTGAGAGAAGAGTCATCAGGTGT-3'